The following is an entry in ClinVar:

ClinVar aggregate classification (germline): Benign. Review status: criteria provided, multiple submitters, no conflicts (2 of 4 stars). 4 submissions from 4 submitters: Benign (3). 1 of the submissions does not count toward it. Last evaluated 2026-02-04.

Allele frequency attached by ClinVar (database versions not stated): 1000 Genomes Project 30x 0.09260; gnomAD 0.11691 and 0.11543; TOPMed 0.10725; ESP Exome Variant Server 0.12330; 1000 Genomes Project 0.09165; gnomAD exomes 0.11558; ExAC 0.12907.
gnomAD v4.1: 188,116 of 1,551,620 alleles (12%); highest among the groups gnomAD compares: Middle Eastern, 18%; 11,862 homozygotes.

Submissions (4):

Labcorp Genetics (formerly Invitae), Labcorp
Classification: Benign. Last evaluated: 2026-02-04. Review status: criteria provided, single submitter. Criteria: Invitae Variant Classification Sherloc (09022015). Collection method: clinical testing. Allele origin: germline.

ARUP Laboratories, Molecular Genetics and Genomics, ARUP Laboratories
Classification: Benign. Last evaluated: 2025-07-14. Review status: criteria provided, single submitter. Criteria: ARUP Molecular Germline Variant Investigation Process 2024. Collection method: clinical testing. Allele origin: germline.

Mayo Clinic Laboratories, Mayo Clinic
Classification: Benign. Last evaluated: 2022-09-06. Review status: criteria provided, single submitter. Criteria: ACMG Guidelines, 2015. Collection method: clinical testing. Allele origin: germline. Observed: 44 variant alleles.

ITMI
No classification provided. Condition: AllHighlyPenetrant. Last evaluated: 2013-09-19. Review status: no classification provided. Collection method: reference population. Allele origin: germline. Not counted in ClinVar's aggregate classification.
Comment: Please see associated publication for description of ethnicities

Literature cited by the submitters: PubMed 24728327 (cited by ITMI).

NM_001127208.3(TET2):c.5162T>G (p.Leu1721Trp)

Genes: TET2 (tet methylcytosine dioxygenase 2; plus strand), TET2-AS1 (TET2 antisense RNA 1; minus strand). Cytogenetic location: 4q24.
Variant type: single nucleotide variant.
Coding change: c.5162T>G on transcript NM_001127208.3 (MANE Select); coding-DNA position 5162, T replaced by G.
Protein change: p.Leu1721Trp; replaces leucine 1721 with tryptophan.
Molecular consequence: missense variant.
Genome position (GRCh38, 1-based): chr4:105,275,672, T>G. VCF-style: chr4-105275672-T-G. GRCh37 (hg19) VCF-style: chr4-106196829-T-G.
Other names: c.5162T>G (NM_001127208.2); short protein forms L1721W.
Identifiers: ClinVar variation 135300 (VCV000135300.9), dbSNP rs34402524, ClinGen allele CA162267.
Genomic context (GRCh38, chr4:105,275,672, plus strand): 5'-TGCAGGGAGATGGTTTCAGCAGTTGTACCATTAGACCAAATGTACATCATGTAGGGAAAT[T>G]GCCTCCTTATCCCACTCATGAGATGGATGGCCACTTCATGGGAGCCACCTCTAGATTACC-3'
Protein context (NP_001120680.1, residues 1711-1731): IRPNVHHVGK[Leu1721Trp]PPYPTHEMDG